The following is an entry in ClinVar:

ClinVar aggregate classification (germline): Conflicting classifications of pathogenicity. Review status: criteria provided, conflicting classifications (1 of 4 stars). 4 submissions from 4 submitters: Pathogenic (1); Likely pathogenic (1); Uncertain significance (2). Last evaluated 2025-11-18.

Conditions:
Inborn genetic diseases. Identifiers: MedGen C0950123, MeSH D030342.
Retinal disorder. Also called: Retinal disorders; Retinopathies; Retinal Diseases; Retinopathy. Identifiers: MedGen C0035309, MONDO:0005283, HP:0000488.

Allele frequency attached by ClinVar (database versions not stated): gnomAD 0.00001; gnomAD exomes 0.00001; TOPMed 0.00001.
gnomAD v4.1: 14 of 1,614,094 alleles (0.00087%); highest among the groups gnomAD compares: Non-Finnish European, 0.0012%; no homozygotes.

Submissions (4):

Genetics Laboratory, Great Ormond Street Hospital NHS Foundation Trust, North Thames Genomic Laboratory Hub
Classification: Likely pathogenic for Retinal disorders. Last evaluated: 2025-11-18. Review status: criteria provided, single submitter. Criteria: ACGS Best Practice Guidelines for Variant Classification in Rare Disease 2024 v1.2. Collection method: clinical testing. Allele origin: germline. Affected: yes.
Comment: PM2_moderate, PM3_strong

Labcorp Genetics (formerly Invitae), Labcorp
Classification: Pathogenic. Last evaluated: 2024-06-17. Review status: criteria provided, single submitter. Criteria: Invitae Variant Classification Sherloc (09022015). Collection method: clinical testing. Allele origin: germline.
Comment: This sequence change replaces cysteine, which is neutral and slightly polar, with arginine, which is basic and polar, at codon 4336 of the USH2A protein (p.Cys4336Arg). This variant is not present in population databases (gnomAD no frequency). This missense change has been observed in individuals with clinical features of retinitis pigmentosa (Invitae). ClinVar contains an entry for this variant (Variation ID: 1973838). Advanced modeling of protein sequence and biophysical properties (such as structural, functional, and spatial information, amino acid conservation, physicochemical variation, residue mobility, and thermodynamic stability) performed at Invitae indicates that this missense variant is expected to disrupt USH2A protein function with a positive predictive value of 95%. For these reasons, this variant has been classified as Pathogenic.

Ambry Genetics
Classification: Uncertain significance for Inborn genetic diseases. Last evaluated: 2024-05-06. Review status: criteria provided, single submitter. Criteria: Ambry Variant Classification Scheme 2023. Collection method: clinical testing. Allele origin: germline.

Blueprint Genetics
Classification: Uncertain significance. Last evaluated: 2018-10-19. Review status: criteria provided, single submitter. Criteria: ACMG Guidelines, 2015. Collection method: clinical testing. Allele origin: germline.

NM_206933.4(USH2A):c.13006T>C (p.Cys4336Arg)

Gene: USH2A (usherin; minus strand). Cytogenetic location: 1q41.
Variant type: single nucleotide variant.
Coding change: c.13006T>C on transcript NM_206933.4 (MANE Select); coding-DNA position 13006, T replaced by C.
Protein change: p.Cys4336Arg; replaces cysteine 4336 with arginine.
Molecular consequence: missense variant.
Genome position (GRCh38, 1-based): chr1:215,674,905, A>G on the plus strand (T>C on the coding strand, the complement: USH2A is on the minus strand). VCF-style: chr1-215674905-A-G. GRCh37 (hg19) VCF-style: chr1-215848247-A-G.
Other names: c.13006T>C (NM_206933.2); short protein forms C4336R.
Identifiers: ClinVar variation 1973838 (VCV001973838.8), dbSNP rs1325681486, ClinGen allele CA344847867.